The following is an entry in ClinVar:

NM_018249.6(CDK5RAP2):c.662+1G>C

Gene: CDK5RAP2 (CDK5 regulatory subunit associated protein 2; minus strand). Cytogenetic location: 9q33.2.
Variant type: single nucleotide variant.
Coding change: c.662+1G>C on transcript NM_018249.6 (MANE Select); the canonical splice donor site of the intron after coding-DNA position 662, G replaced by C.
Molecular consequence: splice donor variant.
Genome position (GRCh38, 1-based): chr9:120,536,371, C>G on the plus strand (G>C on the coding strand, the complement: CDK5RAP2 is on the minus strand). VCF-style: chr9-120536371-C-G. GRCh37 (hg19) VCF-style: chr9-123298649-C-G.
Other names: c.662+1G>C (NM_001272039.2, NM_001410992.1, NM_001410994.1 and 2 more transcripts).
Identifiers: ClinVar variation 4718024 (VCV004718024.1).
Genomic context (GRCh38, chr9:120,536,371, plus strand): 5'-ATTCTTTCCCCACGCTGCCAGATAATGTGATGTCAGGGTATGACAGGGACAAGAGCCAGA[C>G]CTGTCTTTCTCATCCAGGACCAGAGCCATCGCCAAGTCCCCCTCGTGCATCTTCTTCATC-3'

ClinVar aggregate classification (germline): Likely pathogenic (1 of 4 stars; one submission).

Submission:

Labcorp Genetics (formerly Invitae), Labcorp
Classification: Likely pathogenic. Last evaluated: 2025-04-20. Review status: criteria provided, single submitter. Criteria: Invitae Variant Classification Sherloc (09022015). Collection method: clinical testing. Allele origin: germline.
Comment: This sequence change affects a donor splice site in intron 7 of the CDK5RAP2 gene. It is expected to disrupt RNA splicing. Variants that disrupt the donor or acceptor splice site typically lead to a loss of protein function (PMID: 16199547), and loss-of-function variants in CDK5RAP2 are known to be pathogenic (PMID: 15793586, 20460369, 26436113). This variant is not present in population databases (gnomAD no frequency). This variant has not been reported in the literature in individuals affected with CDK5RAP2-related conditions. Algorithms developed to predict the effect of sequence changes on RNA splicing suggest that this variant may disrupt the consensus splice site. In summary, the currently available evidence indicates that the variant is pathogenic, but additional data are needed to prove that conclusively. Therefore, this variant has been classified as Likely Pathogenic.

Literature cited by the submitters: PubMed 16199547; PubMed 15793586; PubMed 20460369; PubMed 26436113.